The following is an entry in ClinVar:

ClinVar aggregate classification (germline): Uncertain significance (1 of 4 stars; one submission).

Submission:

GeneDx
Classification: Uncertain significance. Last evaluated: 2023-11-16. Review status: criteria provided, single submitter. Criteria: GeneDx Variant Classification Process June 2021. Collection method: clinical testing. Allele origin: germline. Affected: yes.
Comment: Not observed at significant frequency in large population cohorts (gnomAD); In silico analysis supports that this missense variant has a deleterious effect on protein structure/function; Has not been previously published as pathogenic or benign to our knowledge

NM_012082.4(ZFPM2):c.2306C>T (p.Pro769Leu)

Genes: ZFPM2 (zinc finger protein, FOG family member 2; plus strand), ZFPM2-AS1 (ZFPM2 antisense RNA 1; minus strand), LOC126860469 (BRD4-independent group 4 enhancer GRCh37_chr8:106814445-106815644; plus strand). Cytogenetic location: 8q23.1.
Variant type: single nucleotide variant.
Coding change: c.2306C>T on transcript NM_012082.4 (MANE Select); coding-DNA position 2306, C replaced by T.
Protein change: p.Pro769Leu; replaces proline 769 with leucine.
Molecular consequence: missense variant.
Genome position (GRCh38, 1-based): chr8:105,802,388, C>T. VCF-style: chr8-105802388-C-T. GRCh37 (hg19) VCF-style: chr8-106814616-C-T.
Other names: c.2147C>T, p.Pro716Leu (NM_001362836.2); c.1910C>T, p.Pro637Leu (NM_001362837.2); short protein forms P637L, P716L, P769L.
Identifiers: ClinVar variation 3364460 (VCV003364460.1).